The following is an entry in ClinVar:

NM_022773.4(LMF1):c.706A>G (p.Thr236Ala)

Gene: LMF1 (lipase maturation factor 1; minus strand). Cytogenetic location: 16p13.3.
Variant type: single nucleotide variant.
Coding change: c.706A>G on transcript NM_022773.4 (MANE Select); coding-DNA position 706, A replaced by G.
Protein change: p.Thr236Ala; replaces threonine 236 with alanine.
Molecular consequence: missense variant. On other transcripts: non-coding transcript variant (1).
Genome position (GRCh38, 1-based): chr16:893,030, T>C on the plus strand (A>G on the coding strand, the complement: LMF1 is on the minus strand). VCF-style: chr16-893030-T-C. GRCh37 (hg19) VCF-style: chr16-943030-T-C.
Other names: c.55A>G, p.Thr19Ala (NM_001352017.2, NM_001352021.2); c.307A>G, p.Thr103Ala (NM_001352018.2); c.379A>G, p.Thr127Ala (NM_001352019.2); c.706A>G, p.Thr236Ala (NM_001352020.1); short protein forms T236A, T19A, T127A, T103A.
Identifiers: ClinVar variation 3290925 (VCV003290925.1).

ClinVar aggregate classification (germline): Uncertain significance (1 of 4 stars; one submission).

Conditions:
Cardiovascular phenotype. Identifiers: MedGen CN230736.

Submission:

Ambry Genetics
Classification: Uncertain significance for Cardiovascular phenotype. Last evaluated: 2024-04-21. Review status: criteria provided, single submitter. Criteria: Ambry Variant Classification Scheme 2023. Collection method: clinical testing. Allele origin: germline.
Comment: The p.T236A variant (also known as c.706A>G), located in coding exon 5 of the LMF1 gene, results from an A to G substitution at nucleotide position 706. The threonine at codon 236 is replaced by alanine, an amino acid with similar properties. This amino acid position is conserved. In addition, this alteration is predicted to be tolerated by in silico analysis. Based on the available evidence, the clinical significance of this variant remains unclear.